The following is an entry in ClinVar:

NM_001379110.1(SLC9A6):c.524+5G>A

Gene: SLC9A6 (solute carrier family 9 member A6; plus strand). Cytogenetic location: Xq26.3.
Variant type: single nucleotide variant.
Coding change: c.524+5G>A on transcript NM_001379110.1 (MANE Select); 5 bases into the intron after coding-DNA position 524, G replaced by A.
Molecular consequence: intron variant.
Genome position (GRCh38, 1-based): chrX:135,998,563, G>A. VCF-style: chrX-135998563-G-A. GRCh37 (hg19) VCF-style: chrX-135080722-G-A.
Other names: c.680+5G>A (NM_001042537.2); c.584+5G>A (NM_006359.3); c.524+5G>A (NM_001177651.2); c.428+5G>A (NM_001330652.2).
Identifiers: ClinVar variation 207242 (VCV000207242.6), dbSNP rs796053284, ClinGen allele CA318523.

ClinVar aggregate classification (germline): Conflicting classifications of pathogenicity. Review status: criteria provided, conflicting classifications (1 of 4 stars). 2 submissions from 2 submitters: Likely pathogenic (1); Uncertain significance (1). Last evaluated 2025-01-06.

Conditions:
Christianson syndrome (MRXSCH). Also called: SLC9A6-Related Syndromic Mental Retardation; INTELLECTUAL DEVELOPMENTAL DISORDER, X-LINKED, SYNDROMIC, CHRISTIANSON TYPE; X-linked mental retardation, syndromic, Christianson type. Identifiers: Orphanet 85278, MedGen C2678194, MONDO:0010278, OMIM 300243.

Submissions (2):

3billion
Classification: Uncertain significance for Christianson syndrome. Last evaluated: 2025-01-06. Review status: criteria provided, single submitter. Criteria: ACMG Guidelines, 2015. Collection method: clinical testing. Allele origin: germline. Affected: yes.
Comment: The variant is not observed in the gnomAD v4.1.0 dataset. Predicted Consequence/Location: Intron variant In silico tools predict the variant to alter splicing and produce an abnormal transcript [SpliceAI: 0.65 (>=0.2, moderate evidence for spliceogenicity)]. The variant has been previously reported as assumed (i.e. paternity and maternity not confirmed) de novo in at least one similarly affected unrelated individual (PMID: 25818041). The variant has been reported to be associated with SLC9A6-related disorder (ClinVar ID: VCV000207242 /PMID: 25818041). However, the evidence of pathogenicity is insufficient at this time. Therefore, this variant is classified as VUS according to the recommendation of ACMG/AMP guideline.

Eurofins Ntd Llc (ga)
Classification: Likely pathogenic. Last evaluated: 2016-10-17. Review status: criteria provided, single submitter. Criteria: EGL Classification Definitions 2015. Collection method: clinical testing. Allele origin: germline. Observed: 1 variant allele, 1 hemizygote.

Literature cited by the submitters: PubMed 25818041 (cited by 3billion).